The following is an entry in ClinVar:

NM_014023.4(WDR37):c.934A>T (p.Thr312Ser)

Gene: WDR37 (WD repeat domain 37; plus strand). Cytogenetic location: 10p15.3.
Variant type: single nucleotide variant.
Coding change: c.934A>T on transcript NM_014023.4 (MANE Select); coding-DNA position 934, A replaced by T.
Protein change: p.Thr312Ser; replaces threonine 312 with serine.
Molecular consequence: missense variant.
Genome position (GRCh38, 1-based): chr10:1,103,809, A>T. VCF-style: chr10-1103809-A-T. GRCh37 (hg19) VCF-style: chr10-1149749-A-T.
Other names: short protein forms T312S.
Identifiers: ClinVar variation 2505873 (VCV002505873.2), dbSNP rs2490749342, ClinGen allele CA375854961.

ClinVar aggregate classification (germline): Uncertain significance. Review status: criteria provided, multiple submitters, no conflicts (2 of 4 stars). 2 submissions from 2 submitters: Uncertain significance (2). Last evaluated 2023-11-17.

Conditions:
Inborn genetic diseases. Identifiers: MedGen C0950123, MeSH D030342.

Submissions (2):

Ambry Genetics
Classification: Uncertain significance for Inborn genetic diseases. Last evaluated: 2023-11-17. Review status: criteria provided, single submitter. Criteria: Ambry Variant Classification Scheme 2023. Collection method: clinical testing. Allele origin: germline.

GeneDx
Classification: Uncertain significance. Last evaluated: 2022-12-15. Review status: criteria provided, single submitter. Criteria: GeneDx Variant Classification Process June 2021. Collection method: clinical testing. Allele origin: germline. Affected: yes.
Comment: Not observed at significant frequency in large population cohorts (gnomAD); In silico analysis supports that this missense variant has a deleterious effect on protein structure/function; Has not been previously published as pathogenic or benign to our knowledge